The following is an entry in ClinVar:

NM_003098.3(SNTA1):c.1105C>T (p.Arg369Cys)

Gene: SNTA1 (syntrophin alpha 1; minus strand). Cytogenetic location: 20q11.21.
Variant type: single nucleotide variant.
Coding change: c.1105C>T on transcript NM_003098.3 (MANE Select); coding-DNA position 1105, C replaced by T.
Protein change: p.Arg369Cys; replaces arginine 369 with cysteine.
Molecular consequence: missense variant.
Genome position (GRCh38, 1-based): chr20:33,410,267, G>A on the plus strand (C>T on the coding strand, the complement: SNTA1 is on the minus strand). VCF-style: chr20-33410267-G-A. GRCh37 (hg19) VCF-style: chr20-31998073-G-A.
Other names: p.R369C:CGC>TGC; short protein forms R369C.
Identifiers: ClinVar variation 190908 (VCV000190908.4), dbSNP rs369968387, ClinGen allele CA302255.
Genomic context (GRCh38, chr20:33,410,267, plus strand): 5'-GCTCCTGCGGTGACTCCACGCTGAACAGGTGAGTGTCCACACCGTGACGCGTGCCCGTGC[G>A]CAGGGCAAAAGAGAGCTCTGCATCGTAGGGCACTGAGCCCTTGGAGGGGCCTGAGTGCAC-3'
Protein context (NP_003089.1, residues 359-379): PYDAELSFAL[Arg369Cys]TGTRHGVDTH

ClinVar aggregate classification (germline): Uncertain significance. Review status: criteria provided, multiple submitters, no conflicts (2 of 4 stars). 2 submissions from 2 submitters: Uncertain significance (2). Last evaluated 2022-03-04.

Conditions:
Cardiovascular phenotype. Identifiers: MedGen CN230736.

Allele frequency attached by ClinVar (database versions not stated): TOPMed below 0.00001; gnomAD exomes 0.00004 and 0.00007; ExAC 0.00006; gnomAD 0.00006 and 0.00007; ESP Exome Variant Server 0.00008.
gnomAD v4.1: 73 of 1,612,434 alleles (0.0045%); highest among the groups gnomAD compares: Admixed American, 0.0067%; no homozygotes.

Submissions (2):

Ambry Genetics
Classification: Uncertain significance for Cardiovascular phenotype. Last evaluated: 2022-03-04. Review status: criteria provided, single submitter. Criteria: Ambry Variant Classification Scheme 2023. Collection method: clinical testing. Allele origin: germline.
Comment: The p.R369C variant (also known as c.1105C>T), located in coding exon 6 of the SNTA1 gene, results from a C to T substitution at nucleotide position 1105. The arginine at codon 369 is replaced by cysteine, an amino acid with highly dissimilar properties. This amino acid position is conserved. In addition, this alteration is predicted to be deleterious by in silico analysis. Since supporting evidence is limited at this time, the clinical significance of this alteration remains unclear.

GeneDx
Classification: Uncertain significance. Last evaluated: 2013-05-23. Review status: criteria provided, single submitter. Criteria: GeneDx Variant Classification (06012015). Collection method: clinical testing. Allele origin: germline. Affected: yes.
Comment: The R369C variant in the SNTA1 gene has not been reported as a disease-causing mutation or as a benign polymorphism to our knowledge. R369C results in a non-conservative amino acid substitution of positively charged Arginine residue with a neutral, polar Cysteine residue at a position that is conserved across species. In silico analysis predicts R369C is probably damaging to the protein structure/function. The R369C variant was not observed with any significant frequency in approximately 6,500 individuals of European and African American ancestry in the NHLBI Exome Sequencing Project. Therefore, based on the currently available information, it is unclear whether this variant is a pathogenic mutation or a rare benign variant. The variant is found in LQT panel(s).